The following is an entry in ClinVar:

NM_015474.4(SAMHD1):c.1220A>G (p.Tyr407Cys)

Gene: SAMHD1 (SAM and HD domain containing deoxynucleoside triphosphate triphosphohydrolase 1; minus strand). Cytogenetic location: 20q11.23.
Variant type: single nucleotide variant.
Coding change: c.1220A>G on transcript NM_015474.4 (MANE Select); coding-DNA position 1220, A replaced by G.
Protein change: p.Tyr407Cys; replaces tyrosine 407 with cysteine.
Molecular consequence: missense variant.
Genome position (GRCh38, 1-based): chr20:36,911,268, T>C on the plus strand (A>G on the coding strand, the complement: SAMHD1 is on the minus strand). VCF-style: chr20-36911268-T-C. GRCh37 (hg19) VCF-style: chr20-35539671-T-C.
Other names: c.1220A>G, p.Tyr407Cys (NM_001363729.2, NM_001363733.2); short protein forms Y407C.
Identifiers: ClinVar variation 4696795 (VCV004696795.1).

ClinVar aggregate classification (germline): Uncertain significance (1 of 4 stars; one submission).

Conditions:
Aicardi-Goutieres syndrome 5. Identifiers: Orphanet 51, MedGen C2749659, MONDO:0013059, OMIM 612952.

gnomAD v4.1: 2 of 1,613,444 alleles (0.00012%); highest among the groups gnomAD compares: South Asian, 0.0011%; no homozygotes.

Submission:

Labcorp Genetics (formerly Invitae), Labcorp
Classification: Uncertain significance for Aicardi-Goutieres syndrome 5. Last evaluated: 2025-06-14. Review status: criteria provided, single submitter. Criteria: Invitae Variant Classification Sherloc (09022015). Collection method: clinical testing. Allele origin: germline.
Comment: This sequence change replaces tyrosine, which is neutral and polar, with cysteine, which is neutral and slightly polar, at codon 407 of the SAMHD1 protein (p.Tyr407Cys). This variant is not present in population databases (gnomAD no frequency). This variant has not been reported in the literature in individuals affected with SAMHD1-related conditions. An algorithm developed to predict the effect of missense changes on protein structure and function outputs the following: PolyPhen-2: "Benign". The cysteine amino acid residue is found in multiple mammalian species, which suggests that this missense change does not adversely affect protein function. In summary, the available evidence is currently insufficient to determine the role of this variant in disease. Therefore, it has been classified as a Variant of Uncertain Significance.